The following is an entry in ClinVar:

ClinVar aggregate classification (germline): Uncertain significance (1 of 4 stars; one submission).

Conditions:
Rhabdoid tumor predisposition syndrome 1 (RTPS1). Also called: Familial Posterior Fossa Brain Tumor of Infancy. Identifiers: Orphanet 231108, Orphanet 69077, MedGen C1836327, MONDO:0012252, OMIM 609322.

Submission:

St. Jude Molecular Pathology, St. Jude Children's Research Hospital
Classification: Uncertain significance for Rhabdoid tumor predisposition syndrome 1. Last evaluated: 2024-05-16. Review status: criteria provided, single submitter. Criteria: St. Jude Assertion Criteria 2020. Collection method: clinical testing. Allele origin: germline.
Comment: This variant is a gross duplication of the genomic region encompassing exons 8-9 of the SMARCB1 gene. The 5' end is confined to intron 7. The 3' end of the duplicated segment extends beyond the SMARCB1 gene and encompasses other genes. The functional impact of this duplication is unknown. To our knowledge, this variant has not been reported in individuals with SMARCB1-related disease. In summary, the evidence currently available is insufficient to determine the clinical significance of this variant. It has therefore been classified as of uncertain significance.

NC_000022.10:g.24171601-(24180196_?)

Gene: SMARCB1 (SWI/SNF related BAF chromatin remodeling complex subunit B1; plus strand). Cytogenetic location: 22q11.23.
Variant type: Variation.
Identifiers: ClinVar variation 3377804 (VCV003377804.1).